The following is an entry in ClinVar:

ClinVar aggregate classification (germline): Uncertain significance (1 of 4 stars; one submission).

Submission:

Labcorp Genetics (formerly Invitae), Labcorp
Classification: Uncertain significance. Last evaluated: 2022-09-06. Review status: criteria provided, single submitter. Criteria: Invitae Variant Classification Sherloc (09022015). Collection method: clinical testing. Allele origin: germline.
Comment: This variant, c.1031_1036dup, results in the insertion of 2 amino acid(s) of the RIMS1 protein (p.Lys344_Gln345dup), but otherwise preserves the integrity of the reading frame. This variant is not present in population databases (gnomAD no frequency). This variant has not been reported in the literature in individuals affected with RIMS1-related conditions. In summary, the available evidence is currently insufficient to determine the role of this variant in disease. Therefore, it has been classified as a Variant of Uncertain Significance.

NM_014989.7(RIMS1):c.1031_1036dup (p.Gln345_Arg346insLysGln)

Gene: RIMS1 (regulating synaptic membrane exocytosis 1; plus strand). Cytogenetic location: 6q13.
Variant type: Duplication.
Coding change: c.1031_1036dup on transcript NM_014989.7 (MANE Select); coding-DNA positions 1031 to 1036, 6 bases duplicated (AGCAAA; older notation c.1031_1036dupAGCAAA).
Protein change: p.Gln345_Arg346insLysGln.
Molecular consequence: inframe insertion.
Genome position (GRCh38, 1-based): chr6:72,182,502-72,182,507, AGCAAA duplicated; duplicating any 6 consecutive bases within chr6:72,182,499-72,182,507 gives the same sequence; the c. name uses the placement nearest the transcript's 3' end. VCF-style (leftmost placement, unchanged base first): chr6-72182498-G-GAAAAGC. GRCh37 (hg19) VCF-style: chr6-72892201-G-GAAAAGC.
Identifiers: ClinVar variation 2029240 (VCV002029240.4), dbSNP rs2551807830, ClinGen allele CA2580075731.
Genomic context (GRCh38, chr6:72,182,498, plus strand): 5'-CGATCACAGGATTACCCAGACACGCCGGAAAAACGGGATGAGGGCAAAGCGGCGGATGAG[G>GAAAAGC]AAAAGCAAAGAAAAGAGGAGGATTATCAGACCAGGTACCGCAGCGACCCGAACCTAGCTC-3'